The following is an entry in ClinVar:

ClinVar aggregate classification (germline): Uncertain significance (1 of 4 stars; one submission).

Conditions:
Nemaline myopathy 2 (NEM2). Also called: Nemaline myopathy 2, autosomal recessive. Identifiers: MedGen C1850569, MONDO:0009725, OMIM 256030.

Allele frequency attached by ClinVar (database versions not stated): TOPMed below 0.00001; gnomAD exomes 0.00001; ExAC 0.00002; gnomAD 0.00002.
gnomAD v4.1: 18 of 1,595,526 alleles (0.0011%); highest among the groups gnomAD compares: African/African-American, 0.0027%; no homozygotes.

Submission:

Labcorp Genetics (formerly Invitae), Labcorp
Classification: Uncertain significance for Nemaline myopathy 2. Last evaluated: 2021-08-28. Review status: criteria provided, single submitter. Criteria: Invitae Variant Classification Sherloc (09022015). Collection method: clinical testing. Allele origin: germline.
Comment: This sequence change replaces serine with leucine at codon 8398 of the NEB protein (p.Ser8398Leu). The serine residue is moderately conserved and there is a large physicochemical difference between serine and leucine. This variant is present in population databases (rs755009242, ExAC 0.004%). This variant has not been reported in the literature in individuals affected with NEB-related conditions. Algorithms developed to predict the effect of missense changes on protein structure and function are either unavailable or do not agree on the potential impact of this missense change (SIFT: "Deleterious"; PolyPhen-2: "Not Available"; Align-GVGD: "Class C0"). In summary, the available evidence is currently insufficient to determine the role of this variant in disease. Therefore, it has been classified as a Variant of Uncertain Significance.

NM_001164508.2(NEB):c.25088C>T (p.Ser8363Leu)

Genes: NEB (nebulin; minus strand), RIF1 (replication timing regulatory factor 1; plus strand). Cytogenetic location: 2q23.3.
Variant type: single nucleotide variant.
Coding change: c.25088C>T on transcript NM_001164508.2 (MANE Select); coding-DNA position 25088, C replaced by T.
Protein change: p.Ser8363Leu; replaces serine 8363 with leucine.
Molecular consequence: missense variant.
Genome position (GRCh38, 1-based): chr2:151,491,745, G>A on the plus strand (C>T on the coding strand, the complement: NEB is on the minus strand). VCF-style: chr2-151491745-G-A. GRCh37 (hg19) VCF-style: chr2-152348259-G-A.
Other names: c.25088C>T, p.Ser8363Leu (NM_001164507.2); c.25193C>T, p.Ser8398Leu (NM_001271208.2); c.19520C>T, p.Ser6507Leu (NM_004543.5); short protein forms S8363L, S8398L, S6507L.
Identifiers: ClinVar variation 2139798 (VCV002139798.1), dbSNP rs755009242, ClinGen allele CA1905820.
Genomic context (GRCh38, chr2:151,491,745, plus strand): 5'-TTAATCATGTGTAAGCTTCGGGACTGGATGTTGTCTTCTGCTGGATCATAGTCAAAAACC[G>A]AACCAGGATTAGTACGCCAGACACGTAAACCTGAAAGGGAAACCAGTGATCAGAACAAGT-3'
Protein context (NP_001157980.2, residues 8353-8373): GLRVWRTNPG[Ser8363Leu]VFDYDPAEDN